The following is an entry in ClinVar:

ClinVar aggregate classification (germline): Uncertain significance (1 of 4 stars; one submission).

Submission:

Labcorp Genetics (formerly Invitae), Labcorp
Classification: Uncertain significance. Last evaluated: 2025-09-03. Review status: criteria provided, single submitter. Criteria: Invitae Variant Classification Sherloc (09022015). Collection method: clinical testing. Allele origin: germline.
Comment: This sequence change affects a donor splice site in intron 2 of the MMP9 gene. It is expected to disrupt RNA splicing. Variants that disrupt the donor or acceptor splice site typically lead to a loss of protein function (PMID: 16199547), however the current clinical and genetic evidence is not sufficient to establish whether loss-of-function variants in MMP9 cause disease. This variant is present in population databases (rs751921129, gnomAD 0.004%). This variant has not been reported in the literature in individuals affected with MMP9-related conditions. Algorithms developed to predict the effect of sequence changes on RNA splicing suggest that this variant may disrupt the consensus splice site. In summary, the available evidence is currently insufficient to determine the role of this variant in disease. Therefore, it has been classified as a Variant of Uncertain Significance.

Literature cited by the submitters: PubMed 16199547.

NM_004994.3(MMP9):c.371+1G>C

Gene: MMP9 (matrix metallopeptidase 9; plus strand). Cytogenetic location: 20q13.12.
Variant type: single nucleotide variant.
Coding change: c.371+1G>C on transcript NM_004994.3 (MANE Select); the canonical splice donor site of the intron after coding-DNA position 371, G replaced by C.
Molecular consequence: splice donor variant.
Genome position (GRCh38, 1-based): chr20:46,010,099, G>C. VCF-style: chr20-46010099-G-C. GRCh37 (hg19) VCF-style: chr20-44638738-G-C.
Identifiers: ClinVar variation 4764401 (VCV004764401.1).